The following is an entry in ClinVar:

ClinVar aggregate classification (germline): Uncertain significance. Review status: criteria provided, single submitter (1 of 4 stars). 3 submissions from 3 submitters: Uncertain significance (1). 2 of the submissions do not count toward it. Last evaluated 2026-04-22.

Conditions:
GNAS-related disorder. Identifiers: MedGen CN380105.

Allele frequency attached by ClinVar (database versions not stated): ExAC 0.00011; TOPMed 0.00013; 1000 Genomes Project 30x 0.00031; gnomAD exomes 0.00011; ESP Exome Variant Server 0.00017; 1000 Genomes Project 0.00020.
gnomAD v4.1: 384 of 1,612,734 alleles (0.024%); highest among the groups gnomAD compares: Non-Finnish European, 0.031%; no homozygotes.

Submissions (3):

PreventionGenetics, part of Exact Sciences
Classification: Uncertain significance for GNAS-related condition. Last evaluated: 2026-04-22. Review status: criteria provided, single submitter. Criteria: ACMG Guidelines, 2015. Collection method: clinical testing. Allele origin: germline.
Comment: The GNAS c.897C>A variant is predicted to result in the amino acid substitution p.Ser299Arg. In the primary GNAS transcript (NM_000516.5), this variant is reported as c.-37565C>A (Pre-Coding). This variant was reported in an individual with severe early-onset obesity; however, no additional studies were performed to help assess the pathogenicity of this variant (Loid et al. 2020. PubMed ID: 32318528). This variant is reported in 0.036% of alleles in individuals of European (Finnish) descent in gnomAD. Although we suspect that this variant may be benign, at this time, the clinical significance of this variant is uncertain due to the absence of conclusive functional and genetic evidence.

Clinical Genetics DNA and cytogenetics Diagnostics Lab, Erasmus MC, Erasmus Medical Center
Classification: Likely benign. Review status: no assertion criteria provided. Collection method: clinical testing. Allele origin: germline. Affected: yes. Study: VKGL Data-share Consensus. Not counted in ClinVar's aggregate classification.

Clinical Genetics, Academic Medical Center
Classification: Likely benign. Review status: no assertion criteria provided. Collection method: clinical testing. Allele origin: germline. Affected: yes. Study: VKGL Data-share Consensus. Not counted in ClinVar's aggregate classification.

NM_080425.4(GNAS):c.897C>A (p.Ser299Arg)

Gene: GNAS (GNAS complex locus; plus strand). Cytogenetic location: 20q13.32.
Variant type: single nucleotide variant.
Coding change: c.897C>A on transcript NM_080425.4 (MANE Plus Clinical); coding-DNA position 897, C replaced by A.
Protein change: p.Ser299Arg; replaces serine 299 with arginine.
Molecular consequence: missense variant. On other transcripts: intron variant (3).
Genome position (GRCh38, 1-based): chr20:58,854,162, C>A. VCF-style: chr20-58854162-C-A. GRCh37 (hg19) VCF-style: chr20-57429217-C-A.
Other names: c.710C>A, p.Ala237Asp (NM_001077490.3, NM_001309883.1); c.897C>A, p.Ser299Arg (NM_001410913.1); c.*42+13276C>A (NM_016592.5); c.43+13276C>A (NM_001410912.1); c.-39+12287C>A (NM_001309861.2); short protein forms A237D, S299R.
Identifiers: ClinVar variation 1284745 (VCV001284745.9), dbSNP rs200409817, ClinGen allele CA9926574.